The following is an entry in ClinVar:

ClinVar aggregate classification (germline): Uncertain significance (1 of 4 stars; one submission).

Conditions:
Cardiovascular phenotype. Identifiers: MedGen CN230736.

Submission:

Ambry Genetics
Classification: Uncertain significance for Cardiovascular phenotype. Last evaluated: 2024-06-27. Review status: criteria provided, single submitter. Criteria: Ambry Variant Classification Scheme 2023. Collection method: clinical testing. Allele origin: germline.
Comment: The p.N834K variant (also known as c.2502T>G), located in coding exon 17 of the APOB gene, results from a T to G substitution at nucleotide position 2502. The asparagine at codon 834 is replaced by lysine, an amino acid with similar properties. This amino acid position is conserved. In addition, this alteration is predicted to be tolerated by in silico analysis. Based on the available evidence, the clinical significance of this variant remains unclear.

NM_000384.3(APOB):c.2502T>G (p.Asn834Lys)

Gene: APOB (apolipoprotein B; minus strand). Cytogenetic location: 2p24.1.
Variant type: single nucleotide variant.
Coding change: c.2502T>G on transcript NM_000384.3 (MANE Select); coding-DNA position 2502, T replaced by G.
Protein change: p.Asn834Lys; replaces asparagine 834 with lysine.
Molecular consequence: missense variant.
Genome position (GRCh38, 1-based): chr2:21,023,627, A>C on the plus strand (T>G on the coding strand, the complement: APOB is on the minus strand). VCF-style: chr2-21023627-A-C. GRCh37 (hg19) VCF-style: chr2-21246499-A-C.
Other names: short protein forms N834K.
Identifiers: ClinVar variation 3415448 (VCV003415448.1).